The following is an entry in ClinVar:

NC_000006.11:g.(?_56330866)_(56331003_?)del

Gene: DST (dystonin; minus strand). Cytogenetic location: 6p12.1.
Variant type: Deletion.
Identifiers: ClinVar variation 3246039 (VCV003246039.2).

ClinVar aggregate classification (germline): Pathogenic (1 of 4 stars; one submission).

Conditions:
Epidermolysis bullosa simplex 3, localized or generalized intermediate, with BP230 deficiency (EBS3). Also called: Epidermolysis bullosa simplex, autosomal recessive 2; Epidermolysis bullosa simplex due to BP230 deficiency. Identifiers: Orphanet 412181, MedGen C3809470, MONDO:0014180, OMIM 615425.
Hereditary sensory and autonomic neuropathy type 6. Also called: Neuropathy, hereditary sensory and autonomic, type VI; HSAN VI. Identifiers: Orphanet 314381, MedGen C3539003, MONDO:0013839, OMIM 614653.

Submission:

Labcorp Genetics (formerly Invitae), Labcorp
Classification: Pathogenic for Epidermolysis bullosa simplex 3, localized or generalized intermediate, with BP230 deficiency; Hereditary sensory and autonomic neuropathy type 6. Last evaluated: 2020-01-06. Review status: criteria provided, single submitter. Criteria: Invitae Variant Classification Sherloc (09022015). Collection method: clinical testing. Allele origin: germline.
Comment: This variant is an out-of-frame deletion of the genomic region encompassing exon 80 of the DST gene. This is expected to create a premature translational stop signal and result in an absent or disrupted protein product. The DST gene has multiple clinically relevant transcripts. This variant occurs in alternate transcript NM_015548.4, and corresponds to a deletion within a non-coding region in NM_001723.5, the primary transcript. This variant has not been reported in the literature in individuals with DST-related conditions. While this particular variant has not been reported in the literature, loss-of-function variants in DST are known to be pathogenic (PMID: 22522446, 25059916). For these reasons, this variant has been classified as Pathogenic.

Literature cited by the submitters: PubMed 22522446; PubMed 25059916.